The following is an entry in ClinVar:

NM_001127198.5(TMC6):c.2355-4G>A

Gene: TMC6 (transmembrane channel like 6; minus strand). Cytogenetic location: 17q25.3.
Variant type: single nucleotide variant.
Coding change: c.2355-4G>A on transcript NM_001127198.5 (MANE Select); 4 bases into the intron before coding-DNA position 2355, G replaced by A.
Molecular consequence: intron variant.
Genome position (GRCh38, 1-based): chr17:78,113,215, C>T on the plus strand (G>A on the coding strand, the complement: TMC6 is on the minus strand). VCF-style: chr17-78113215-C-T. GRCh37 (hg19) VCF-style: chr17-76109296-C-T.
Other names: c.2175-4G>A (NM_001374594.1, NM_001374593.1); c.2355-4G>A (NM_001374596.1, NM_007267.7, NM_001321185.1 and 2 more transcripts).
Identifiers: ClinVar variation 456014 (VCV000456014.14), dbSNP rs79153946, ClinGen allele CA8795291.

ClinVar aggregate classification (germline): Benign. Review status: criteria provided, multiple submitters, no conflicts (2 of 4 stars). 3 submissions from 3 submitters: Benign (2). 1 of the submissions does not count toward it. Last evaluated 2026-02-03.

Conditions:
TMC6-related disorder. Also called: TMC6-related condition.
Epidermodysplasia verruciformis. Identifiers: Orphanet 302, MedGen C0014522, MONDO:0009176.

Allele frequency attached by ClinVar (database versions not stated): 1000 Genomes Project 0.00599; 1000 Genomes Project 30x 0.00687; TOPMed 0.01074; gnomAD 0.01119 and 0.01122; gnomAD exomes 0.01160; ESP Exome Variant Server 0.01443; ExAC 0.01670.
gnomAD v4.1: 26,405 of 1,552,758 alleles (1.7%); highest among the groups gnomAD compares: Non-Finnish European, 2%; 266 homozygotes.

Submissions (3):

Labcorp Genetics (formerly Invitae), Labcorp
Classification: Benign for Epidermodysplasia verruciformis. Last evaluated: 2026-02-03. Review status: criteria provided, single submitter. Criteria: Invitae Variant Classification Sherloc (09022015). Collection method: clinical testing. Allele origin: germline.

Breakthrough Genomics
Classification: Benign. Review status: criteria provided, single submitter. Criteria: ACMG Guidelines, 2015. Collection method: not provided. Allele origin: germline. Inheritance: Autosomal recessive inheritance. Affected: yes.

PreventionGenetics, part of Exact Sciences
Classification: Benign for TMC6-related condition. Last evaluated: 2019-04-29. Review status: no assertion criteria provided. Collection method: clinical testing. Allele origin: germline. Not counted in ClinVar's aggregate classification.
Comment: This variant is classified as benign based on ACMG/AMP sequence variant interpretation guidelines (Richards et al. 2015 PMID: 25741868, with internal and published modifications).